The following is an entry in ClinVar:

ClinVar aggregate classification (germline): Benign/Likely benign. Review status: criteria provided, multiple submitters, no conflicts (2 of 4 stars). 5 submissions from 5 submitters: Benign (1); Likely benign (3). 1 of the submissions does not count toward it. Last evaluated 2026-02-01.

Conditions:
MATR3-related disorder. Also called: MATR3-related condition.
Amyotrophic lateral sclerosis type 21. Also called: VOCAL CORD AND PHARYNGEAL DYSFUNCTION WITH DISTAL MYOPATHY; MYOPATHY, DISTAL, 2. Identifiers: Orphanet 600, Orphanet 803, MedGen C3807521, MONDO:0011632, OMIM 606070.

Allele frequency attached by ClinVar (database versions not stated): ExAC 0.00011; gnomAD 0.00020 and 0.00022; TOPMed 0.00021.
gnomAD v4.1: 535 of 1,611,740 alleles (0.033%); highest among the groups gnomAD compares: Non-Finnish European, 0.043%; no homozygotes.

Submissions (5):

Labcorp Genetics (formerly Invitae), Labcorp
Classification: Likely benign for Amyotrophic lateral sclerosis type 21. Last evaluated: 2026-02-01. Review status: criteria provided, single submitter. Criteria: Invitae Variant Classification Sherloc (09022015). Collection method: clinical testing. Allele origin: germline.

Mayo Clinic Laboratories, Mayo Clinic
Classification: Likely benign. Last evaluated: 2025-10-22. Review status: criteria provided, single submitter. Criteria: ACMG Guidelines, 2015. Collection method: clinical testing. Allele origin: germline. Observed: 1 variant allele.
Comment: BS2, BP4_moderate

GeneDx
Classification: Likely benign. Last evaluated: 2020-04-09. Review status: criteria provided, single submitter. Criteria: GeneDx Variant Classification Process June 2021. Collection method: clinical testing. Allele origin: germline. Affected: yes.
Comment: See Variant Classification Assertion Criteria.

Illumina Laboratory Services, Illumina
Classification: Benign for Amyotrophic lateral sclerosis type 21. Last evaluated: 2018-01-13. Review status: criteria provided, single submitter. Criteria: ICSL Variant Classification Criteria 13 December 2019. Collection method: clinical testing. Allele origin: germline.
Comment: This variant was observed in the ICSL laboratory as part of a predisposition screen in an ostensibly healthy population. It had not been previously curated by ICSL or reported in the Human Gene Mutation Database (HGMD: prior to June 1st, 2018), and was therefore a candidate for classification through an automated scoring system. Utilizing variant allele frequency, disease prevalence and penetrance estimates, and inheritance mode, an automated score was calculated to assess if this variant is too frequent to cause the disease. Based on the score and internal cut-off values, a variant classified as benign is not then subjected to further curation. The score for this variant resulted in a classification of benign for this disease.

PreventionGenetics, part of Exact Sciences
Classification: Likely benign for MATR3-related condition. Last evaluated: 2024-01-18. Review status: no assertion criteria provided. Collection method: clinical testing. Allele origin: germline. Not counted in ClinVar's aggregate classification.
Comment: This variant is classified as likely benign based on ACMG/AMP sequence variant interpretation guidelines (Richards et al. 2015 PMID: 25741868, with internal and published modifications).

Literature cited by the submitters: PubMed 29525178 (cited by Mayo Clinic Laboratories, Mayo Clinic).

NM_018834.6(MATR3):c.2521C>T (p.Arg841Cys)

Gene: MATR3 (matrin 3; plus strand). Cytogenetic location: 5q31.2.
Variant type: single nucleotide variant.
Coding change: c.2521C>T on transcript NM_018834.6 (MANE Select); coding-DNA position 2521, C replaced by T.
Protein change: p.Arg841Cys; replaces arginine 841 with cysteine.
Molecular consequence: missense variant.
Genome position (GRCh38, 1-based): chr5:139,329,372, C>T. VCF-style: chr5-139329372-C-T. GRCh37 (hg19) VCF-style: chr5-138665061-C-T.
Other names: p.Arg841Cys; c.2521C>T, p.Arg841Cys (NM_001194954.2, NM_001194955.2, NM_199189.3); c.1657C>T, p.Arg553Cys (NM_001194956.2); c.1507C>T, p.Arg503Cys (NM_001282278.2); short protein forms R841C, R503C, R553C.
Identifiers: ClinVar variation 351143 (VCV000351143.20), dbSNP rs781050726, ClinGen allele CA3433487.